The following is an entry in ClinVar:

NM_201596.3(CACNB2):c.1489-17_1489-16delinsTT

Gene: CACNB2 (calcium voltage-gated channel auxiliary subunit beta 2; plus strand). Cytogenetic location: 10p12.31.
Variant type: Indel.
Coding change: c.1489-17_1489-16delinsTT on transcript NM_201596.3 (MANE Select); 17 bases into the intron before coding-DNA position 1489 through 16 bases into the intron before coding-DNA position 1489, GC replaced by TT.
Molecular consequence: intron variant.
Genome position (GRCh38, 1-based): chr10:18,539,213-18,539,214, GC replaced by TT. VCF-style: chr10-18539213-GC-TT. GRCh37 (hg19) VCF-style: chr10-18828142-GC-TT.
Other names: c.1405-17_1405-16delinsTT (NM_201571.4); c.1291-17_1291-16delinsTT (NM_001167945.2); c.1333-17_1333-16delinsTT (NM_201572.4); c.1375-17_1375-16delinsTT (NM_201593.3); c.1417-17_1417-16delinsTT (NM_201597.3); c.1324-17_1324-16delinsTT (NM_000724.4); c.1210-17_1210-16delinsTT (NM_001330060.2); c.1327-17_1327-16delinsTT (NM_201590.3); and 2 more.
Identifiers: ClinVar variation 3625752 (VCV003625752.2).
Genomic context (GRCh38, chr10:18,539,213, plus strand): 5'-TTGAATGCACTTGCTCTGGGACATGTTCTTTACACACTGACCTTGGTTAACGCCTGGTGT[GC>TT]TCCTTTCGCTGCCAGGGTTCTCAAGGTGATCAGAGGACTGATCGCTCCGCTCCTATCCGT-3'

ClinVar aggregate classification (germline): Uncertain significance (1 of 4 stars; one submission).

Conditions:
Brugada syndrome 4 (BRGDA4). Identifiers: Orphanet 130, MedGen C2678477, MONDO:0012743, OMIM 611876.

Submission:

Labcorp Genetics (formerly Invitae), Labcorp
Classification: Uncertain significance for Brugada syndrome 4. Last evaluated: 2024-11-30. Review status: criteria provided, single submitter. Criteria: Invitae Variant Classification Sherloc (09022015). Collection method: clinical testing. Allele origin: germline.
Comment: This sequence change falls in intron 12 of the CACNB2 gene. It does not directly change the encoded amino acid sequence of the CACNB2 protein. Information on the frequency of this variant in the gnomAD database is not available, as this variant may be reported differently in the database. This variant has not been reported in the literature in individuals affected with CACNB2-related conditions. Experimental studies and prediction algorithms are not available or were not evaluated, and the effect of this variant on mRNA splicing is currently unknown. In summary, the available evidence is currently insufficient to determine the role of this variant in disease. Therefore, it has been classified as a Variant of Uncertain Significance.